The following is an entry in ClinVar:

NM_000275.3(OCA2):c.593C>T (p.Pro198Leu)

Gene: OCA2 (OCA2 melanosomal transmembrane protein; minus strand). Cytogenetic location: 15q13.1.
Variant type: single nucleotide variant.
Coding change: c.593C>T on transcript NM_000275.3 (MANE Select); coding-DNA position 593, C replaced by T.
Protein change: p.Pro198Leu; replaces proline 198 with leucine.
Molecular consequence: missense variant.
Genome position (GRCh38, 1-based): chr15:28,022,554, G>A on the plus strand (C>T on the coding strand, the complement: OCA2 is on the minus strand). VCF-style: chr15-28022554-G-A. GRCh37 (hg19) VCF-style: chr15-28267700-G-A.
Other names: c.593C>T, p.Pro198Leu (NM_001300984.2); short protein forms P198L.
Identifiers: ClinVar variation 198063 (VCV000198063.65), dbSNP rs183487020, ClinGen allele CA246554.
Genomic context (GRCh38, chr15:28,022,554, plus strand): 5'-TGGATACAGTAGTTCTCCAGCGGTGATAAGGCCAACAGCTGCCAGAGCTTTCCTTGATCC[G>A]GATATAGGCTGAACAAAATCTGTAACAATCAGAAACGTTGAATGACAGAGGTGTGGTATG-3'
Protein context (NP_000266.2, residues 188-208): VLCSILFSLY[Pro198Leu]DQGKLWQLLA

ClinVar aggregate classification (germline): Conflicting classifications of pathogenicity. Review status: criteria provided, conflicting classifications (1 of 4 stars). 14 submissions from 14 submitters: Pathogenic (8); Likely pathogenic (4); Uncertain significance (2). Last evaluated 2026-06-12.

Conditions:
OCA2-related disorder. Also called: OCA2-related condition.
Oculocutaneous albinism. Identifiers: Orphanet 55, MedGen C0078918, MONDO:0018910.
Tyrosinase-positive oculocutaneous albinism (OCA2). Also called: Albinism, oculocutaneous, type II; ALBINISM II; Oculocutaneous albinism type 2. Identifiers: Orphanet 79432, MedGen C0268495, MONDO:0008746, OMIM 203200.
SKIN/HAIR/EYE PIGMENTATION 1, BLUE/NONBLUE EYES (SHEP1). Also called: BROWN EYE COLOR 2; EYE COLOR 3; EYE COLOR, BLUE/NONBLUE; EYE COLOR, BROWN/BLUE; HAIR COLOR 3; SKIN/HAIR/EYE PIGMENTATION 1, BLOND/BROWN HAIR. Identifiers: MedGen C1856895, OMIM 227220.

Allele frequency attached by ClinVar (database versions not stated): gnomAD exomes 0.00010; ExAC 0.00015; TOPMed 0.00025; ESP Exome Variant Server 0.00031; gnomAD 0.00031 and 0.00035; 1000 Genomes Project 30x 0.00141; 1000 Genomes Project 0.00160.
gnomAD v4.1: 139 of 1,613,770 alleles (0.0086%); highest among the groups gnomAD compares: African/African-American, 0.097%; no homozygotes.

Submissions (14):

PreventionGenetics, part of Exact Sciences
Classification: Pathogenic for OCA2-related condition. Last evaluated: 2026-06-12. Review status: criteria provided, single submitter. Criteria: ACMG Guidelines, 2015. Collection method: clinical testing. Allele origin: germline.
Comment: The OCA2 c.593C>T variant is predicted to result in the amino acid substitution p.Pro198Leu. This variant has been reported along with a second OCA2 variant in individuals with oculocutaneous albinism (Wei et al. 2010. PubMed ID: 19865097; Wang et al. 2015. PubMed ID: 25919014; Chuan et al. 2020. PubMed ID: 32552135). This variant, along with a 6 Mb deletion comprising the OCA2 and UBE3A genes, was reported in a patient with OCA and a clinical phenotype of Angelman Syndrome (Rooryck et al. 2008. PubMed ID: 18821858). This variant is present in 0.088% of alleles in individuals of African descent in gnomAD. This variant is interpreted as pathogenic.

Labcorp Genetics (formerly Invitae), Labcorp
Classification: Pathogenic. Last evaluated: 2026-01-29. Review status: criteria provided, single submitter. Criteria: Invitae Variant Classification Sherloc (09022015). Collection method: clinical testing. Allele origin: germline.
Comment: This sequence change replaces proline, which is neutral and non-polar, with leucine, which is neutral and non-polar, at codon 198 of the OCA2 protein (p.Pro198Leu). This variant is present in population databases (rs183487020, gnomAD 0.1%). This missense change has been observed in individuals with oculocutaneous albinism (PMID: 19865097, 25919014, 29437493; internal data). ClinVar contains an entry for this variant (Variation ID: 198063). Invitae Evidence Modeling of protein sequence and biophysical properties (such as structural, functional, and spatial information, amino acid conservation, physicochemical variation, residue mobility, and thermodynamic stability) indicates that this missense variant is not expected to disrupt OCA2 protein function with a negative predictive value of 80%. For these reasons, this variant has been classified as Pathogenic.

Women's Health and Genetics/Laboratory Corporation of America, LabCorp
Classification: Pathogenic for Oculocutaneous albinism. Last evaluated: 2026-01-12. Review status: criteria provided, single submitter. Criteria: LabCorp Variant Classification Summary - May 2015. Collection method: clinical testing. Allele origin: germline.
Comment: Variant summary: OCA2 c.593C>T (p.Pro198Leu) results in a non-conservative amino acid change in the encoded protein sequence. Algorithms developed to predict the effect of missense changes on protein structure and function all suggest that this variant is likely to be disruptive. The variant allele was found at a frequency of 9.9e-05 in 251266 control chromosomes (gnomAD). This frequency is not significantly higher than estimated for disease-causing variants in OCA2, allowing no conclusion about variant significance. c.593C>T has been observed in multiple individuals affected with Oculocutaneous Albinism (Wei_2010, Wang_2015, Qiu_2018, Chuan_2020). These data indicate that the variant is very likely to be associated with disease. To our knowledge, no experimental evidence demonstrating an impact on protein function has been reported. The following publications have been ascertained in the context of this evaluation (PMID: 32552135, 29437493, 25919014, 19865097). ClinVar contains an entry for this variant (Variation ID: 198063). Based on the evidence outlined above, the variant was classified as pathogenic.

GeneDx
Classification: Pathogenic. Last evaluated: 2025-07-15. Review status: criteria provided, single submitter. Criteria: GeneDx Variant Classification Process June 2021. Collection method: clinical testing. Allele origin: germline. Affected: yes.
Comment: In silico analysis supports that this missense variant has a deleterious effect on protein structure/function; This variant is associated with the following publications: (PMID: 32552135, 22995991, 12713581, 30609409, 25919014, 19865097, 18821858, 24118800, 31196117, 34838614)

Laboratory of Genetic Epidemiology, Research Centre for Medical Genetics
Classification: Likely pathogenic for SKIN/HAIR/EYE PIGMENTATION 1, BLUE/NONBLUE EYES; Tyrosinase-positive oculocutaneous albinism. Last evaluated: 2025-01-01. Review status: criteria provided, single submitter. Criteria: ACMG Guidelines, 2015. Collection method: clinical testing. Allele origin: unknown. Inheritance: Autosomal recessive inheritance. Affected: yes. Observed: 1 heterozygote.
Comment: This variant has been previously reported in the literature (PMIDs: 12713581, 34838614, 38219857) and is listed in gnomAD v3.1.2 with allele frequency 0.00009 in Europe (6/68042). The affected amino acid position is evolutionarily conserved, and multiple in silico prediction tools support a deleterious effect. Taken together, the variant meets the following ACMG/AMP criteria and can be classified as likely pathogenic with PM2, PM3, PP5, PP4 criteria.

Fulgent Genetics
Classification: Pathogenic for Tyrosinase-positive oculocutaneous albinism; SKIN/HAIR/EYE PIGMENTATION 1, BLUE/NONBLUE EYES. Last evaluated: 2024-04-29. Review status: criteria provided, single submitter. Criteria: ACMG Guidelines, 2015. Collection method: clinical testing. Allele origin: germline.

Baylor Genetics
Classification: Pathogenic for SKIN/HAIR/EYE PIGMENTATION 1, BLUE/NONBLUE EYES. Last evaluated: 2024-03-28. Review status: criteria provided, single submitter. Criteria: ACMG Guidelines, 2015. Collection method: clinical testing. Allele origin: unknown.

Blueprint Genetics
Classification: Pathogenic for OCA2-related disorders. Last evaluated: 2023-08-14. Review status: criteria provided, single submitter. Criteria: ACMG Guidelines, 2015. Collection method: clinical testing. Allele origin: germline. Affected: yes. Observed: 5 variant alleles.

3billion
Classification: Likely pathogenic for Tyrosinase-positive oculocutaneous albinism. Last evaluated: 2022-01-03. Review status: criteria provided, single submitter. Criteria: ACMG Guidelines, 2015. Collection method: clinical testing. Allele origin: germline. Affected: yes. Observed: 1 heterozygote.
Comment: Same nucleotide change resulting in same amino acid change has been previously reported to be associated with OCA2 related disorder (ClinVar ID: VCV000198063, PMID:12713581, PS1_P). In silico tool predictions suggest damaging effect of the variant on gene or gene product (REVEL: 0.88, PP3_P). A missense variant is a common mechanism associated with Albinism (PP2_P). It is observed at an extremely low frequency in the gnomAD v2.1.1 dataset (total allele frequency: 0.000124, PM2_M). Therefore, this variant is classified as likely pathogenic according to the recommendation of ACMG/AMP guideline.

Genome-Nilou Lab
Classification: Likely pathogenic for Tyrosinase-positive oculocutaneous albinism. Last evaluated: 2021-11-07. Review status: criteria provided, single submitter. Criteria: ACMG Guidelines, 2015. Collection method: clinical testing. Allele origin: germline. Affected: no.

CeGaT Center for Human Genetics Tuebingen
Classification: Uncertain significance. Last evaluated: 2021-08-01. Review status: criteria provided, single submitter. Criteria: CeGaT Center For Human Genetics Tuebingen Variant Classification Criteria Version 2. Collection method: clinical testing. Allele origin: germline. Affected: yes. Observed: 1 variant allele.

Laboratory for Molecular Medicine, Mass General Brigham Personalized Medicine
Classification: Likely pathogenic for Tyrosinase-positive oculocutaneous albinism. Last evaluated: 2017-06-27. Review status: criteria provided, single submitter. Criteria: LMM Criteria. Collection method: clinical testing. Allele origin: germline. Inheritance: Autosomal recessive inheritance. Observed: 1 variant allele.
Comment: The p.Pro198Leu (NM_000275.2 c.593C>T) variant in OCA2 has been reported in at l east 1 homozygous, 2 compound heterozygous and 1 heterozygous individuals of Tur kish, Chinese and Japanese ancestry with oculocutaneous albinism II (Rooryck 200 8, Suzuki 2003, Wang 2015, and Wei 2010). This variant has also been reported in ClinVar (Variation ID# 198063). This variant has been identified in 0.12% (13/1 0222) of African chromosomes by the Exome Aggregation Consortium (ExAC; dbSNP rs183487020). Although this variant has been seen in the general population, its frequency is low enough to be consistent with a r ecessive carrier frequency. Computational prediction tools and conservation anal ysis suggest that the p.Pro198Leu variant may impact the protein, though this in formation is not predictive enough to determine pathogenicity. In summary, altho ugh additional studies are required to fully establish its clinical significance , the p.Pro198Leu variant is likely pathogenic based upon its biallelic observat ions in multiple affected individuals and low population frequency.

Eurofins Ntd Llc (ga)
Classification: Uncertain significance. Last evaluated: 2015-01-20. Review status: criteria provided, single submitter. Criteria: EGL Classification Definitions 2015. Collection method: clinical testing. Allele origin: germline. Observed: 1 variant allele, 1 heterozygote.

Juno Genomics, Hangzhou Juno Genomics, Inc
Classification: Pathogenic for Tyrosinase-positive oculocutaneous albinism. Review status: criteria provided, single submitter. Criteria: ACMG Guidelines, 2015. Collection method: clinical testing. Allele origin: germline.
Comment: Multiple lines of computational evidence support a deleterious effect on the gene or gene product.;For recessive disorders, detected in trans with a pathogenic variant.

Literature cited by the submitters: PubMed 19865097 (cited by 3 submitters); PubMed 25919014 (cited by 3 submitters); PubMed 29437493 (cited by Labcorp Genetics (formerly Invitae), Labcorp and Women's Health and Genetics/Laboratory Corporation of America, LabCorp); PubMed 32552135 (cited by Women's Health and Genetics/Laboratory Corporation of America, LabCorp); PubMed 12713581 (cited by 3 submitters); PubMed 34838614 (cited by Laboratory of Genetic Epidemiology, Research Centre for Medical Genetics); PubMed 38219857 (cited by Laboratory of Genetic Epidemiology, Research Centre for Medical Genetics); PubMed 41428507 (cited by Laboratory of Genetic Epidemiology, Research Centre for Medical Genetics); PubMed 24118800 (cited by Laboratory for Molecular Medicine, Mass General Brigham Personalized Medicine); PubMed 18821858 (cited by Laboratory for Molecular Medicine, Mass General Brigham Personalized Medicine).